The following is an entry in ClinVar:

ClinVar aggregate classification (germline): Uncertain significance (1 of 4 stars; one submission).

gnomAD v4.1: 3 of 1,613,970 alleles (0.00019%); highest among the groups gnomAD compares: East Asian, 0.0022%; no homozygotes.

Submission:

Ambry Genetics
Classification: Uncertain significance. Last evaluated: 2023-01-19. Review status: criteria provided, single submitter. Criteria: Ambry Variant Classification Scheme 2023. Collection method: clinical testing. Allele origin: germline.
Comment: The p.D253H variant (also known as c.757G>C), located in coding exon 4 of the MNDA gene, results from a G to C substitution at nucleotide position 757. The aspartic acid at codon 253 is replaced by histidine, an amino acid with similar properties. This amino acid position is conserved. In addition, this alteration is predicted to be tolerated by in silico analysis. Since supporting evidence is limited at this time, the clinical significance of this alteration remains unclear.

NM_002432.3(MNDA):c.757G>C (p.Asp253His)

Gene: MNDA (myeloid cell nuclear differentiation antigen; plus strand). Cytogenetic location: 1q23.1.
Variant type: single nucleotide variant.
Coding change: c.757G>C on transcript NM_002432.3 (MANE Select); coding-DNA position 757, G replaced by C.
Protein change: p.Asp253His; replaces aspartic acid 253 with histidine.
Molecular consequence: missense variant.
Genome position (GRCh38, 1-based): chr1:158,845,773, G>C. VCF-style: chr1-158845773-G-C. GRCh37 (hg19) VCF-style: chr1-158815563-G-C.
Other names: short protein forms D253H.
Identifiers: ClinVar variation 2497049 (VCV002497049.2), dbSNP rs774562125, ClinGen allele CA343041519.